The following is an entry in ClinVar:

ClinVar aggregate classification (germline): Uncertain significance (1 of 4 stars; one submission).

Conditions:
Autoimmune interstitial lung disease-arthritis syndrome. Also called: Autoinflammation and autoimmunity, systemic, with immune dysregulation. Identifiers: Orphanet 444092, MedGen C5975714, MONDO:0014629.

Submission:

Labcorp Genetics (formerly Invitae), Labcorp
Classification: Uncertain significance for Autoimmune interstitial lung disease-arthritis syndrome. Last evaluated: 2024-03-01. Review status: criteria provided, single submitter. Criteria: Invitae Variant Classification Sherloc (09022015). Collection method: clinical testing. Allele origin: germline.
Comment: This sequence change replaces phenylalanine, which is neutral and non-polar, with leucine, which is neutral and non-polar, at codon 306 of the COPA protein (p.Phe306Leu). This variant is not present in population databases (gnomAD no frequency). This variant has not been reported in the literature in individuals affected with COPA-related conditions. Advanced modeling of protein sequence and biophysical properties (such as structural, functional, and spatial information, amino acid conservation, physicochemical variation, residue mobility, and thermodynamic stability) performed at Invitae indicates that this missense variant is not expected to disrupt COPA protein function with a negative predictive value of 80%. In summary, the available evidence is currently insufficient to determine the role of this variant in disease. Therefore, it has been classified as a Variant of Uncertain Significance.

NM_004371.4(COPA):c.916T>C (p.Phe306Leu)

Gene: COPA (coat protein complex I subunit alpha; minus strand). Cytogenetic location: 1q23.2.
Variant type: single nucleotide variant.
Coding change: c.916T>C on transcript NM_004371.4 (MANE Select); coding-DNA position 916, T replaced by C.
Protein change: p.Phe306Leu; replaces phenylalanine 306 with leucine.
Molecular consequence: missense variant.
Genome position (GRCh38, 1-based): chr1:160,313,094, A>G on the plus strand (T>C on the coding strand, the complement: COPA is on the minus strand). VCF-style: chr1-160313094-A-G. GRCh37 (hg19) VCF-style: chr1-160282884-A-G.
Other names: c.916T>C, p.Phe306Leu (NM_001098398.2); short protein forms F306L.
Identifiers: ClinVar variation 2776293 (VCV002776293.3), dbSNP rs1571164778, ClinGen allele CA343262236.
Genomic context (GRCh38, chr1:160,313,094, plus strand): 5'-ACTTATAAACTTTGAATTAAGCAAAGAAAAAAGAGAGAAAATGGCCCTTACCTGCTGCAA[A>G]GAGGTTAAGGTTAGGGTGAGCAGCTAGGACCCAGAAACGATCATGGTCTCTGCGGAAAGT-3'
Protein context (NP_004362.2, residues 296-316): VLAAHPNLNL[Phe306Leu]AAGHDGGMIV